The following is an entry in ClinVar:

ClinVar aggregate classification (germline): Pathogenic. Review status: criteria provided, single submitter (1 of 4 stars). 2 submissions from 2 submitters: Pathogenic (1). 1 of the submissions does not count toward it. Last evaluated 2023-04-12.

Conditions:
Merosin deficient congenital muscular dystrophy (MDC1A). Also called: Congenital merosin-deficient muscular dystrophy 1A; Congenital Muscular Dystrophy Type 1A (MDC1A). Identifiers: Orphanet 258, MedGen C1263858, MONDO:0011925, OMIM 607855.

Submissions (2):

Revvity Omics, Revvity
Classification: Pathogenic. Last evaluated: 2023-04-12. Review status: criteria provided, single submitter. Criteria: ACMG Guidelines, 2015. Collection method: clinical testing. Allele origin: germline.

Department of Medical Genetics, National Institute of Health
Classification: Pathogenic for Merosin deficient congenital muscular dystrophy. Last evaluated: 2020-11-22. Review status: no assertion criteria provided. Collection method: clinical testing. Allele origin: germline. Inheritance: Autosomal recessive inheritance. Affected: yes. Observed: 1 homozygote. Not counted in ClinVar's aggregate classification.
Comment: The variant was identified at homozygous state by Targeted next-generation sequencing of muscular dystrophies gene panel. It was confirmed by Sanger sequencing. This variant has never been reported in public human databases (accessed, Nov 2020) It was also not found in an in-house database of 100 Moroccan exomes (personal data).

NM_000426.4(LAMA2):c.2217G>A (p.Trp739Ter)

Gene: LAMA2 (laminin subunit alpha 2; plus strand). Cytogenetic location: 6q22.33.
Variant type: single nucleotide variant.
Coding change: c.2217G>A on transcript NM_000426.4 (MANE Select); coding-DNA position 2217, G replaced by A.
Protein change: p.Trp739Ter; replaces tryptophan 739 with a stop codon.
Molecular consequence: nonsense.
Genome position (GRCh38, 1-based): chr6:129,267,114, G>A. VCF-style: chr6-129267114-G-A. GRCh37 (hg19) VCF-style: chr6-129588259-G-A.
Other names: c.2217G>A, p.Trp739Ter (NM_001079823.2); short protein forms W739*.
Identifiers: ClinVar variation 988020 (VCV000988020.4), dbSNP rs192317605, ClinGen allele CA365608739.
Genomic context (GRCh38, chr6:129,267,114, plus strand): 5'-CACCTTTTTGTTTTAATCTCCAAGACTGACTAAAGCCTTATCTTTCTCTCAGTCTTGTTG[G>A]CCTAGGCACAGGCGAGTTAACGGCACTATTTTTGGTGGCATCTGTGAGCCATGTCAGTGC-3'